The following is an entry in ClinVar:

ClinVar aggregate classification (germline): Uncertain significance (1 of 4 stars; one submission).

Conditions:
Autosomal recessive limb-girdle muscular dystrophy type 2Y (MRRSDC). Also called: Muscular dystrophy, limb-girdle, type 2y; Muscular dystrophy, autosomal recessive, with rigid spine and distal joint contractures. Identifiers: Orphanet 424261, MedGen C4511482, MONDO:0014900, OMIM 617072.

gnomAD v4.1: 5 of 1,612,054 alleles (0.00031%); highest among the groups gnomAD compares: African/African-American, 0.004%; no homozygotes.

Submission:

Labcorp Genetics (formerly Invitae), Labcorp
Classification: Uncertain significance for Autosomal recessive limb-girdle muscular dystrophy type 2Y. Last evaluated: 2022-05-03. Review status: criteria provided, single submitter. Criteria: Invitae Variant Classification Sherloc (09022015). Collection method: clinical testing. Allele origin: germline.
Comment: This sequence change affects a donor splice site in intron 9 of the TOR1AIP1 gene. While this variant is not anticipated to result in nonsense mediated decay, it likely alters RNA splicing and results in a disrupted protein product. This variant is present in population databases (rs2274955, gnomAD 0.01%). In summary, the available evidence is currently insufficient to determine the role of this variant in disease. Therefore, it has been classified as a Variant of Uncertain Significance. Variants that disrupt the consensus splice site are a relatively common cause of aberrant splicing (PMID: 17576681, 9536098). Algorithms developed to predict the effect of sequence changes on RNA splicing suggest that this variant may disrupt the consensus splice site. This variant has not been reported in the literature in individuals affected with TOR1AIP1-related conditions.

Literature cited by the submitters: PubMed 17576681; PubMed 9536098.

NM_015602.4(TOR1AIP1):c.964+1G>C

Gene: TOR1AIP1 (torsin 1A interacting protein 1; plus strand). Cytogenetic location: 1q25.2.
Variant type: single nucleotide variant.
Coding change: c.964+1G>C on transcript NM_015602.4 (MANE Select); the canonical splice donor site of the intron after coding-DNA position 964, G replaced by C.
Molecular consequence: splice donor variant.
Genome position (GRCh38, 1-based): chr1:179,914,055, G>C. VCF-style: chr1-179914055-G-C. GRCh37 (hg19) VCF-style: chr1-179883190-G-C.
Other names: c.967+1G>C (NM_001267578.2).
Identifiers: ClinVar variation 2040659 (VCV002040659.2), dbSNP rs2274955, ClinGen allele CA1269057.
Genomic context (GRCh38, chr1:179,914,055, plus strand): 5'-TAGATGACAGCATTCTGAAATCAGAGCTTGGAAACCAGTCACCATCAACCTCCAGCCGAC[G>C]TAAGTTTATGTATTCAGTTTTTATTAAATATTTCTGTAAAATTGGTATTCCATAATTGTT-3'